The following is an entry in ClinVar:

NM_024642.5(GALNT12):c.51C>A (p.Gly17=)

Genes: GALNT12 (polypeptide N-acetylgalactosaminyltransferase 12; plus strand), LOC130002222 (ATAC-STARR-seq lymphoblastoid silent region 20123; plus strand). Cytogenetic location: 9q22.33.
Variant type: single nucleotide variant.
Coding change: c.51C>A on transcript NM_024642.5 (MANE Select); coding-DNA position 51, C replaced by A.
Protein change: p.Gly17=; no amino-acid change (glycine 17 retained).
Molecular consequence: synonymous variant.
Genome position (GRCh38, 1-based): chr9:98,807,749, C>A. VCF-style: chr9-98807749-C-A. GRCh37 (hg19) VCF-style: chr9-101570031-C-A.
Identifiers: ClinVar variation 1105648 (VCV001105648.12), dbSNP rs1588436072, ClinGen allele CA466423681.

ClinVar aggregate classification (germline): Benign/Likely benign. Review status: criteria provided, multiple submitters, no conflicts (2 of 4 stars). 3 submissions from 3 submitters: Benign (1); Likely benign (2). Last evaluated 2026-04-22.

Conditions:
Colorectal cancer, susceptibility to, 1. Also called: COLORECTAL ADENOMA AND CANCER, SUSCEPTIBILITY TO; COLORECTAL CANCER, SUSCEPTIBILITY TO, ON CHROMOSOME 9. Identifiers: MedGen C1837315, MONDO:0012132, OMIM 608812.

gnomAD v4.1: 1 of 1,185,132 alleles (0.000084%); highest among the groups gnomAD compares: Non-Finnish European, 0.0001%; no homozygotes.

Submissions (3):

Myriad Genetics, Inc.
Classification: Benign for Colorectal cancer, susceptibility to, 1. Last evaluated: 2026-04-22. Review status: criteria provided, single submitter. Criteria: Myriad Autosomal Dominant, Autosomal Recessive and X-Linked Classification Criteria (2023). Collection method: clinical testing. Allele origin: unknown.
Comment: This variant is considered benign. This variant is a silent/synonymous amino acid change and it is not expected to impact splicing.

Ambry Genetics
Classification: Likely benign. Last evaluated: 2022-03-06. Review status: criteria provided, single submitter. Criteria: Ambry Variant Classification Scheme 2023. Collection method: clinical testing. Allele origin: germline.

Labcorp Genetics (formerly Invitae), Labcorp
Classification: Likely benign. Last evaluated: 2020-02-25. Review status: criteria provided, single submitter. Criteria: Invitae Variant Classification Sherloc (09022015). Collection method: clinical testing. Allele origin: germline.